The following is an entry in ClinVar:

ClinVar aggregate classification (germline): Uncertain significance (1 of 4 stars; one submission).

Submission:

Labcorp Genetics (formerly Invitae), Labcorp
Classification: Uncertain significance. Last evaluated: 2025-04-23. Review status: criteria provided, single submitter. Criteria: Invitae Variant Classification Sherloc (09022015). Collection method: clinical testing. Allele origin: germline.
Comment: This sequence change replaces valine, which is neutral and non-polar, with alanine, which is neutral and non-polar, at codon 307 of the DHX32 protein (p.Val307Ala). This variant is not present in population databases (gnomAD no frequency). This variant has not been reported in the literature in individuals affected with DHX32-related conditions. An algorithm developed to predict the effect of missense changes on protein structure and function (PolyPhen-2) suggests that this variant is likely to be tolerated. In summary, the available evidence is currently insufficient to determine the role of this variant in disease. Therefore, it has been classified as a Variant of Uncertain Significance.

NM_018180.3(DHX32):c.920T>C (p.Val307Ala)

Gene: DHX32 (DEAH-box helicase 32 (putative); minus strand). Cytogenetic location: 10q26.2.
Variant type: single nucleotide variant.
Coding change: c.920T>C on transcript NM_018180.3 (MANE Select); coding-DNA position 920, T replaced by C.
Protein change: p.Val307Ala; replaces valine 307 with alanine.
Molecular consequence: missense variant.
Genome position (GRCh38, 1-based): chr10:125,854,133, A>G on the plus strand (T>C on the coding strand, the complement: DHX32 is on the minus strand). VCF-style: chr10-125854133-A-G. GRCh37 (hg19) VCF-style: chr10-127542702-A-G.
Other names: short protein forms V307A.
Identifiers: ClinVar variation 4771382 (VCV004771382.1).